The following is an entry in ClinVar:

NM_025216.3(WNT10A):c.383G>A (p.Arg128Gln)

Gene: WNT10A (Wnt family member 10A; plus strand). Cytogenetic location: 2q35.
Variant type: single nucleotide variant.
Coding change: c.383G>A on transcript NM_025216.3 (MANE Select); coding-DNA position 383, G replaced by A.
Protein change: p.Arg128Gln; replaces arginine 128 with glutamine.
Molecular consequence: missense variant.
Genome position (GRCh38, 1-based): chr2:218,889,990, G>A. VCF-style: chr2-218889990-G-A. GRCh37 (hg19) VCF-style: chr2-219754712-G-A.
Other names: short protein forms R128Q.
Identifiers: ClinVar variation 4463 (VCV000004463.25), dbSNP rs121908121, ClinGen allele CA116868.

ClinVar aggregate classification (germline): Pathogenic/Likely pathogenic. Review status: criteria provided, multiple submitters, no conflicts (2 of 4 stars). 12 submissions from 11 submitters: Pathogenic (1); Likely pathogenic (6). 5 of the submissions do not count toward it. Last evaluated 2026-04-25.

Conditions:
Tooth agenesis, selective, 4 (STHAG4). Also called: TOOTH AGENESIS, SELECTIVE, 4, WITH OR WITHOUT ECTODERMAL DYSPLASIA; SUCCEDANEOUS TEETH, AGENESIS OF; LATERAL INCISORS, ABSENCE OF; LATERAL INCISORS, PEGGED OR MISSING. Identifiers: Orphanet 99798, MedGen C1835492, MONDO:0007881, OMIM 150400. Disease mechanism: loss of function.
Odonto-onycho-dermal dysplasia. Identifiers: Orphanet 2721, MedGen C0796093, MONDO:0009773, OMIM 257980.
Schöpf-Schulz-Passarge syndrome. Also called: ECCRINE TUMORS WITH ECTODERMAL DYSPLASIA; SchC6pf-Schulz-Passarge syndrome; KERATOSIS PALMOPLANTARIS WITH CYSTIC EYELIDS, HYPODONTIA, AND HYPOTRICHOSIS. Identifiers: Orphanet 50944, MedGen C1857069, MONDO:0009145, OMIM 224750.

Allele frequency attached by ClinVar (database versions not stated): gnomAD 0.00009 and 0.00007; ExAC 0.00001; TOPMed 0.00007; gnomAD exomes 0.00008.

Submissions (12):

GeneDx
Classification: Likely pathogenic. Last evaluated: 2026-04-25. Review status: criteria provided, single submitter. Criteria: GeneDx Variant Classification Process June 2021. Collection method: clinical testing. Allele origin: germline.
Comment: Observed in the heterozygous state in a patient with isolated oligodontia in published literature (PMID: 34228861); In silico analysis supports that this missense variant has a deleterious effect on protein structure/function; This variant is associated with the following publications: (PMID: 31589614, 19559398, 22581971, 34228861, 26502894, 32627857, 30046887)

Natera, Inc.
Classification: Likely pathogenic for Schopf-Schulz-Passarge syndrome. Last evaluated: 2025-10-14. Review status: criteria provided, single submitter. Criteria: Natera Variant Classification Schema (03/2026). Collection method: clinical testing. Allele origin: germline.
Comment: The c.383G>A variant in WNT10A is a missense variant predicted to cause substitution of arginine to glutamine at amino acid 128. This variant is rare in the general population with a frequency below the threshold expected for the associated phenotype(s). This variant has been observed in one or more individuals affected with the associated recessive disease, as either homozygous or compound heterozygous with a second variant (PMID: 19559398, 27650966). Additionally, this variant has been observed to segregate in affected family members (PMID: 19559398). Computational prediction algorithms indicate this variant is likely to affect gene or protein function. Given the available evidence, this variant is classified as Likely Pathogenic.

Dasa
Classification: Likely pathogenic. Last evaluated: 2025-07-28. Review status: criteria provided, single submitter. Criteria: DASA Assertion Criteria. Collection method: clinical testing. Allele origin: germline.
Comment: NM_025216.3(WNT10A):c.383G>A (p.Arg128Gln) is a missense variant that results in the substitution of arginine with glutamine. This variant has been recurrently observed in individuals with WNT10A-related disorders (PMID: 19559398; PMID: 24398796; PMID: 30046887; PMID: 34228861). Also, this variant is rare in population databases. Computational evidence supports a deleterious effect. Based on the currently available evidence, this variant is classified as likely pathogenic.

Institute of Human Genetics, University of Leipzig Medical Center
Classification: Likely pathogenic for Tooth agenesis, selective, 4. Last evaluated: 2024-10-28. Review status: criteria provided, single submitter. Criteria: ACMG Guidelines, 2015. Collection method: clinical testing. Allele origin: unknown. Inheritance: Autosomal dominant inheritance. Affected: yes.
Comment: Criteria applied: PM1,PM3,PS4_SUP,PP3,PP4

Labcorp Genetics (formerly Invitae), Labcorp
Classification: Pathogenic for Tooth agenesis, selective, 4; Odonto-onycho-dermal dysplasia. Last evaluated: 2024-04-18. Review status: criteria provided, single submitter. Criteria: Invitae Variant Classification Sherloc (09022015). Collection method: clinical testing. Allele origin: germline.
Comment: This sequence change replaces arginine, which is basic and polar, with glutamine, which is neutral and polar, at codon 128 of the WNT10A protein (p.Arg128Gln). This variant is present in population databases (rs121908121, gnomAD 0.01%). This missense change has been observed in individual(s) with autosomal dominant oligodontia and clinical features of ectodermal dysplasia (PMID: 19559398, 22581971; Invitae). In at least one individual the data is consistent with being in trans (on the opposite chromosome) from a pathogenic variant. It has also been observed to segregate with disease in related individuals. ClinVar contains an entry for this variant (Variation ID: 4463). Advanced modeling of protein sequence and biophysical properties (such as structural, functional, and spatial information, amino acid conservation, physicochemical variation, residue mobility, and thermodynamic stability) has been performed at Invitae for this missense variant, however the output from this modeling did not meet the statistical confidence thresholds required to predict the impact of this variant on WNT10A protein function. For these reasons, this variant has been classified as Pathogenic.

Fulgent Genetics
Classification: Likely pathogenic for Tooth agenesis, selective, 4; Schöpf-Schulz-Passarge syndrome; Odonto-onycho-dermal dysplasia. Last evaluated: 2024-02-05. Review status: criteria provided, single submitter. Criteria: ACMG Guidelines, 2015. Collection method: clinical testing. Allele origin: germline.

Centre for Mendelian Genomics, University Medical Centre Ljubljana
Classification: Likely pathogenic for Odonto-onycho-dermal dysplasia. Last evaluated: 2019-02-20. Review status: criteria provided, single submitter. Criteria: ACMG Guidelines, 2015. Collection method: clinical testing. Allele origin: unknown. Affected: yes.
Comment: This variant was classified as: Likely pathogenic. The following ACMG criteria were applied in classifying this variant: PM2,PP3,PS1.

OMIM
Classification: Pathogenic for ODONTOONYCHODERMAL DYSPLASIA. Last evaluated: 2012-05-01. Review status: no assertion criteria provided. Collection method: literature only. Allele origin: germline. Not counted in ClinVar's aggregate classification.

OMIM
Classification: Pathogenic for TOOTH AGENESIS, SELECTIVE, 4. Last evaluated: 2012-05-01. Review status: no assertion criteria provided. Collection method: literature only. Allele origin: germline. Not counted in ClinVar's aggregate classification.

Diagnostic Laboratory, Department of Genetics, University Medical Center Groningen
Classification: Likely pathogenic. Review status: no assertion criteria provided. Collection method: clinical testing. Allele origin: germline. Affected: yes. Study: VKGL Data-share Consensus. Not counted in ClinVar's aggregate classification.

Genome Diagnostics Laboratory, University Medical Center Utrecht
Classification: Pathogenic. Review status: no assertion criteria provided. Collection method: clinical testing. Allele origin: germline. Affected: yes. Study: VKGL Data-share Consensus. Not counted in ClinVar's aggregate classification.

UniProtKB/Swiss-Prot
No classification provided. Review status: no classification provided. Collection method: not provided. Allele origin: not provided. Not counted in ClinVar's aggregate classification.

Literature cited by the submitters: PubMed 19559398 (cited by 4 submitters); PubMed 27650966 (cited by Natera, Inc.); PubMed 24398796 (cited by Dasa); PubMed 30046887 (cited by Dasa); PubMed 34228861 (cited by Dasa); PubMed 22581971 (cited by Labcorp Genetics (formerly Invitae), Labcorp and OMIM).